The following is an entry in ClinVar:

NM_133433.4(NIPBL):c.7691T>C (p.Ile2564Thr)

Gene: NIPBL (NIPBL cohesin loading factor; plus strand). Cytogenetic location: 5p13.2.
Variant type: single nucleotide variant.
Coding change: c.7691T>C on transcript NM_133433.4 (MANE Select); coding-DNA position 7691, T replaced by C.
Protein change: p.Ile2564Thr; replaces isoleucine 2564 with threonine.
Molecular consequence: missense variant.
Genome position (GRCh38, 1-based): chr5:37,060,849, T>C. VCF-style: chr5-37060849-T-C. GRCh37 (hg19) VCF-style: chr5-37060951-T-C.
Other names: c.7691T>C, p.Ile2564Thr (NM_015384.5); short protein forms I2564T.
Identifiers: ClinVar variation 3031080 (VCV003031080.2), dbSNP rs2478732171, ClinGen allele CA359518212.

ClinVar aggregate classification (germline): Uncertain significance (0 of 4 stars; one submission).

Conditions:
NIPBL-related disorder. Also called: NIPBL-related condition.

Submission:

PreventionGenetics, part of Exact Sciences
Classification: Uncertain significance for NIPBL-related condition. Last evaluated: 2024-01-09. Review status: no assertion criteria provided. Collection method: clinical testing. Allele origin: germline.
Comment: The NIPBL c.7691T>C variant is predicted to result in the amino acid substitution p.Ile2564Thr. To our knowledge, this variant has not been reported in the literature or in a large population database, indicating this variant is rare. At this time, the clinical significance of this variant is uncertain due to the absence of conclusive functional and genetic evidence.